The following is an entry in ClinVar:

NM_000330.4(RS1):c.176G>A (p.Cys59Tyr)

Gene: RS1 (retinoschisin 1; minus strand). Cytogenetic location: Xp22.13.
Variant type: single nucleotide variant.
Coding change: c.176G>A on transcript NM_000330.4 (MANE Select); coding-DNA position 176, G replaced by A.
Protein change: p.Cys59Tyr; replaces cysteine 59 with tyrosine.
Molecular consequence: missense variant.
Genome position (GRCh38, 1-based): chrX:18,656,661, C>T on the plus strand (G>A on the coding strand, the complement: RS1 is on the minus strand). VCF-style: chrX-18656661-C-T. GRCh37 (hg19) VCF-style: chrX-18674781-C-T.
Other names: NM_000330.4(RS1):c.176G>A; p.Cys59Tyr; short protein forms C59Y.
Identifiers: ClinVar variation 866404 (VCV000866404.5), dbSNP rs1928220547, ClinGen allele CA412376054.
Genomic context (GRCh38, chrX:18,656,661, plus strand): 5'-GAAATGGGGTGTTCCCAATGACTGTTCCATCCCAAGGACAGGGGATACTCACCTGGTATA[C>T]AGTCCAAGGAGGTGGCACCTGCAGACCACAGAGCATTGGGTCCTCCTTGGCAATCGCACT-3'
Protein context (NP_000321.1, residues 49-69): LWSAGATSLD[Cys59Tyr]IPECPYHKPL

ClinVar aggregate classification (germline): Likely pathogenic. Review status: reviewed by expert panel (3 of 4 stars). 4 submissions from 4 submitters: Likely pathogenic (1). 3 of the submissions do not count toward it. Last evaluated 2025-05-19.

Conditions:
RS1-related disorder. Also called: RS1-related condition.
Retinal dystrophy. Also called: Inherited retinal dystrophy. Identifiers: Orphanet 71862, MedGen C0854723, MeSH D058499, MONDO:0019118, HP:0000556.
Juvenile retinoschisis (RS1). Also called: X-Linked Juvenile Retinoschisis; X-linked retinoschisis. Identifiers: Orphanet 792, MedGen C3714753, MONDO:0010725, OMIM 312700.

Allele frequency attached by ClinVar (database versions not stated): gnomAD exomes below 0.00001.
gnomAD v4.1: 1 of 1,201,811 alleles (0.000083%); highest among the groups gnomAD compares: Non-Finnish European, 0.00011%; no homozygotes.

Submissions (4):

ClinGen X-linked Inherited Retinal Disease Variant Curation Expert Panel, ClinGen
Classification: Likely pathogenic for Juvenile retinoschisis. Last evaluated: 2025-05-19. Review status: reviewed by expert panel. Criteria: ClinGen X LinkedIRD ACMG Specifications RS1 V1.0.0. Collection method: curation. Allele origin: germline. Inheritance: X-linked inheritance.
Comment: The NM_000330.4(RS1):c.176G>A variant is a missense variant encoding the substitution of Cysteine with Tyrosine at amino acid 59 and results in the disruption of the disulfide bridge between Cys59 and Cys223. This variant is absent from hemizygous individuals in gnomAD v4.1.0 (PM2_Supporting). This variant p.Cys59Tyr, of the RS1 gene, is defined as a critical amino acid residue involved in disulfide bridge formation by the ClinGen X-linked IRD VCEP (PMIDs: 26812435, PM1_strong). The computational predictor REVEL gives a score of 0.754, which is within the ClinGen X-linked IRD VCEP range between 0.772 to 0.644 and predicts a damaging effect on RS1 function. The computational splicing predictor SpliceAI gives a delta score of 0.00 for all predictive splice changes, which is below the ClinGen X-linked IRD VCEP threshold of >0.2 and does not predict that the variant disrupts RS1 splicing. The PM1_strong code is ineligible to be combined with PP3 at any strength, therefore, the PP3 code was not met. Another missense variant in the same codon, NM_000330.4(RS1):c.175T>A (p.Cys59Ser), (PMIDs: 31174210, 10450864, 17987333, 9618178) has been classified as likely pathogenic for RS1-related retinopathy by the ClinGen X-linked IRD VCEP, while no benign missense variants have been identified in this codon. The present variant has a higher Grantham’s distance (195) than the comparison variant (112), and SpliceAI has been used to confirm that neither variant has a predicted impact on RS1 splicing (PM5). At least one proband harboring this variant exhibits a phenotype including the appearance of schisis and reduced visual acuity before age 13 years, which together are specific for X-linked retinoschisis (PMID: 32300273, PP4). This variant has been reported in at least 2 apparently unrelated probands meeting one of the PS4 requirements of a male diagnosed with X-linked retinoschisis (PMIDs: 39462066, 30025115, 22245991, 35456481, PS4_Supporting). In summary, this variant is classified as likely pathogenic for X-linked retinoschisis based on the ClinGen X-linked Inherited Retinal Disease Expert Panel Specifications to the ACMG/AMP Variant Interpretation Guidelines for RS1 Version 1.0.0: PM2_supporting, PM1_strong, PM5, PS4_supporting, and PP4. (date of approval 01/24/2025).

Blueprint Genetics
Classification: Likely pathogenic for RS1-related disorders. Last evaluated: 2019-09-20. Review status: criteria provided, single submitter. Criteria: ACMG Guidelines, 2015. Collection method: clinical testing. Allele origin: germline. Affected: yes. Observed: 2 variant alleles. Not counted in ClinVar's aggregate classification.

Institute of Human Genetics, Univ. Regensburg, Univ. Regensburg
Classification: Pathogenic for Retinal dystrophy. Last evaluated: 2009-01-01. Review status: criteria provided, single submitter. Criteria: ACMG Guidelines, 2015. Collection method: clinical testing. Allele origin: germline. Affected: yes. Not counted in ClinVar's aggregate classification.

Department of Ophthalmology, Shanghai Jiao Tong University School of Medicine, Shanghai General Hospital
Classification: Uncertain significance for Juvenile retinoschisis. Review status: criteria provided, single submitter. Criteria: ACMG Guidelines, 2015. Collection method: research. Allele origin: germline. Affected: yes. Not counted in ClinVar's aggregate classification.

Literature cited by the submitters: PubMed 22039241 (cited by Institute of Human Genetics, Univ. Regensburg, Univ. Regensburg); PubMed 22245991 (cited by Institute of Human Genetics, Univ. Regensburg, Univ. Regensburg); PubMed 35456481 (cited by Institute of Human Genetics, Univ. Regensburg, Univ. Regensburg).